The following is an entry in ClinVar:

ClinVar aggregate classification (germline): Uncertain significance. Review status: criteria provided, multiple submitters, no conflicts (2 of 4 stars). 2 submissions from 2 submitters: Uncertain significance (2). Last evaluated 2025-09-04.

Conditions:
Inborn genetic diseases. Identifiers: MedGen C0950123, MeSH D030342.
Congenital myasthenic syndrome 14. Also called: Myasthenic syndrome, congenital, 14, with tubular aggregates. Identifiers: Orphanet 353327, Orphanet 590, MedGen C4015597, MONDO:0014543, OMIM 616228.
Congenital disorder of glycosylation, type Ii. Also called: CDG Ii; ALG2-congenital disorder of glycosylation; ALG2-CDG. Identifiers: Orphanet 79326, MedGen C1842836, MONDO:0011933, OMIM 607906.

Allele frequency attached by ClinVar (database versions not stated): gnomAD exomes below 0.00001; ExAC 0.00001; gnomAD 0.00001.

Submissions (2):

Ambry Genetics
Classification: Uncertain significance for Inborn genetic diseases. Last evaluated: 2025-09-04. Review status: criteria provided, single submitter. Criteria: Ambry Variant Classification Scheme 2023. Collection method: clinical testing. Allele origin: germline.

Labcorp Genetics (formerly Invitae), Labcorp
Classification: Uncertain significance for Congenital disorder of glycosylation, type Ii; Congenital myasthenic syndrome 14. Last evaluated: 2020-03-18. Review status: criteria provided, single submitter. Criteria: Invitae Variant Classification Sherloc (09022015). Collection method: clinical testing. Allele origin: germline.
Comment: This variant is present in population databases (rs754159662, ExAC 0.01%). This sequence change replaces aspartic acid with glutamic acid at codon 365 of the ALG2 protein (p.Asp365Glu). The aspartic acid residue is weakly conserved and there is a small physicochemical difference between aspartic acid and glutamic acid. This variant has not been reported in the literature in individuals with ALG2-related conditions. Algorithms developed to predict the effect of missense changes on protein structure and function (SIFT, PolyPhen-2, Align-GVGD) all suggest that this variant is likely to be tolerated, but these predictions have not been confirmed by published functional studies and their clinical significance is uncertain. In summary, the available evidence is currently insufficient to determine the role of this variant in disease. Therefore, it has been classified as a Variant of Uncertain Significance.

NM_033087.4(ALG2):c.1095C>G (p.Asp365Glu)

Gene: ALG2 (ALG2 alpha-1,3/1,6-mannosyltransferase; minus strand). Cytogenetic location: 9q22.33.
Variant type: single nucleotide variant.
Coding change: c.1095C>G on transcript NM_033087.4 (MANE Select); coding-DNA position 1095, C replaced by G.
Protein change: p.Asp365Glu; replaces aspartic acid 365 with glutamic acid.
Molecular consequence: missense variant. On other transcripts: non-coding transcript variant (1).
Genome position (GRCh38, 1-based): chr9:99,218,090, G>C on the plus strand (C>G on the coding strand, the complement: ALG2 is on the minus strand). VCF-style: chr9-99218090-G-C. GRCh37 (hg19) VCF-style: chr9-101980372-G-C.
Other names: short protein forms D365E.
Identifiers: ClinVar variation 940868 (VCV000940868.9), dbSNP rs754159662, ClinGen allele CA5156213.